The following is an entry in ClinVar:

ClinVar aggregate classification (germline): Uncertain significance. Review status: criteria provided, multiple submitters, no conflicts (2 of 4 stars). 2 submissions from 2 submitters: Uncertain significance (2). Last evaluated 2024-12-18.

Conditions:
Congenital disorder of glycosylation with defective fucosylation 2 (CDGF2). Identifiers: MedGen C5193028, MONDO:0020777, OMIM 618324.

Allele frequency attached by ClinVar (database versions not stated): TOPMed below 0.00001.
gnomAD v4.1: 41 of 1,549,384 alleles (0.0026%); highest among the groups gnomAD compares: South Asian, 0.0036%; no homozygotes.

Submissions (2):

Genomic Medicine Center of Excellence, King Faisal Specialist Hospital and Research Centre
Classification: Uncertain significance for Congenital disorder of glycosylation with defective fucosylation 2. Last evaluated: 2024-12-18. Review status: criteria provided, single submitter. Criteria: ACMG Guidelines, 2015. Collection method: clinical testing. Allele origin: germline.

Women's Health and Genetics/Laboratory Corporation of America, LabCorp
Classification: Uncertain significance. Last evaluated: 2020-03-24. Review status: criteria provided, single submitter. Criteria: LabCorp Variant Classification Summary - May 2015. Collection method: clinical testing. Allele origin: germline.
Comment: Variant summary: FCSK c.1579C>T (p.Arg527Cys) results in a non-conservative amino acid change in the encoded protein sequence. Four of five in-silico tools predict a damaging effect of the variant on protein function. The variant was absent in 148844 control chromosomes (gnomAD). The available data on variant occurrences in the general population are insufficient to allow any conclusion about variant significance. To our knowledge, no occurrence of c.1579C>T in individuals affected with Congenital disorder of glycosylation with defective fucosylation 2 and no experimental evidence demonstrating its impact on protein function have been reported. No clinical diagnostic laboratories have submitted clinical-significance assessments for this variant to ClinVar after 2014. Based on the evidence outlined above, the variant was classified as uncertain significance.

NM_145059.3(FCSK):c.1579C>T (p.Arg527Cys)

Gene: FCSK (fucose kinase; plus strand). Cytogenetic location: 16q22.1.
Variant type: single nucleotide variant.
Coding change: c.1579C>T on transcript NM_145059.3 (MANE Select); coding-DNA position 1579, C replaced by T.
Protein change: p.Arg527Cys; replaces arginine 527 with cysteine.
Molecular consequence: missense variant.
Genome position (GRCh38, 1-based): chr16:70,473,155, C>T. VCF-style: chr16-70473155-C-T. GRCh37 (hg19) VCF-style: chr16-70507058-C-T.
Other names: short protein forms R527C.
Identifiers: ClinVar variation 918130 (VCV000918130.2), dbSNP rs1377077648, ClinGen allele CA396570522.
Genomic context (GRCh38, chr16:70,473,155, plus strand): 5'-TGGATGCTGGACCACCAGGAGGATGGGGGCGAGGCCCTGCGAGCCTGGCGGGCCTCCTGG[C>T]GCCTGTCCTGGGAGCAGCTGCAGCCGTGCCTGGATCGGGCTGCCACGCTGGCCTCTCGCC-3'
Protein context (NP_659496.2, residues 517-537): EALRAWRASW[Arg527Cys]LSWEQLQPCL